The following is an entry in ClinVar:

ClinVar aggregate classification (germline): Uncertain significance (1 of 4 stars; one submission).

Conditions:
Hypertrophic cardiomyopathy. Also called: HYPERTROPHIC MYOCARDIOPATHY. Identifiers: Orphanet 217569, MedGen C0007194, MeSH D002312, MONDO:0005045, HP:0001639.

Submission:

Labcorp Genetics (formerly Invitae), Labcorp
Classification: Uncertain significance for Hypertrophic cardiomyopathy. Last evaluated: 2022-03-15. Review status: criteria provided, single submitter. Criteria: Invitae Variant Classification Sherloc (09022015). Collection method: clinical testing. Allele origin: germline.
Comment: This sequence change replaces leucine, which is neutral and non-polar, with phenylalanine, which is neutral and non-polar, at codon 1184 of the MYOM1 protein (p.Leu1184Phe). In summary, the available evidence is currently insufficient to determine the role of this variant in disease. Therefore, it has been classified as a Variant of Uncertain Significance. Algorithms developed to predict the effect of missense changes on protein structure and function are either unavailable or do not agree on the potential impact of this missense change (SIFT: "Tolerated"; PolyPhen-2: "Probably Damaging"; Align-GVGD: "Class C0"). This variant has not been reported in the literature in individuals affected with MYOM1-related conditions. This variant is not present in population databases (gnomAD no frequency).

NM_003803.4(MYOM1):c.3552G>T (p.Leu1184Phe)

Gene: MYOM1 (myomesin 1; minus strand). Cytogenetic location: 18p11.31.
Variant type: single nucleotide variant.
Coding change: c.3552G>T on transcript NM_003803.4 (MANE Select); coding-DNA position 3552, G replaced by T.
Protein change: p.Leu1184Phe; replaces leucine 1184 with phenylalanine.
Molecular consequence: missense variant.
Genome position (GRCh38, 1-based): chr18:3,102,497, C>A on the plus strand (G>T on the coding strand, the complement: MYOM1 is on the minus strand). VCF-style: chr18-3102497-C-A. GRCh37 (hg19) VCF-style: chr18-3102495-C-A.
Other names: c.3264G>T, p.Leu1088Phe (NM_019856.2); short protein forms L1088F, L1184F.
Identifiers: ClinVar variation 2181820 (VCV002181820.4), dbSNP rs777713363, ClinGen allele CA401703206.
Genomic context (GRCh38, chr18:3,102,497, plus strand): 5'-AAAGGAAACCCATGATTGTGATTGACATAGTCCTTACTTGTTGCCCTTGCTTTCGACTTC[C>A]AATCGTGGAGAGTCCTCAGTGGATACATAATCTTTGGACCAGGAGAACTCGGACTTTGGA-3'
Protein context (NP_003794.3, residues 1174-1194): DYVSTEDSPR[Leu1184Phe]EVESKGNKTK